The following is an entry in ClinVar:

NM_000065.5(C6):c.791A>G (p.Asn264Ser)

Gene: C6 (complement C6; minus strand). Cytogenetic location: 5p13.1.
Variant type: single nucleotide variant.
Coding change: c.791A>G on transcript NM_000065.5 (MANE Select); coding-DNA position 791, A replaced by G.
Protein change: p.Asn264Ser; replaces asparagine 264 with serine.
Molecular consequence: missense variant.
Genome position (GRCh38, 1-based): chr5:41,181,495, T>C on the plus strand (A>G on the coding strand, the complement: C6 is on the minus strand). VCF-style: chr5-41181495-T-C. GRCh37 (hg19) VCF-style: chr5-41181597-T-C.
Other names: c.791A>G, p.Asn264Ser (NM_001115131.4); short protein forms N264S.
Identifiers: ClinVar variation 1511097 (VCV001511097.7), dbSNP rs772928586, ClinGen allele CA3252656.
Genomic context (GRCh38, chr5:41,181,495, plus strand): 5'-AAAATTGGTACACTGAAAGAGCTCCCCCCCTGACTTGAGAATGAGCCTTGTTGATTTTCA[T>C]TGTGTCCAAGAGAAGTTAAATCCTTGTAGAAATCTGTTTTCAAGTCATCTTCTGCAGTTT-3'
Protein context (NP_000056.2, residues 254-274): FYKDLTSLGH[Asn264Ser]ENQQGSFSSQ

ClinVar aggregate classification (germline): Uncertain significance (1 of 4 stars; one submission).

Allele frequency attached by ClinVar (database versions not stated): ExAC 0.00002; gnomAD exomes 0.00002.
gnomAD v4.1: 32 of 1,613,806 alleles (0.002%); highest among the groups gnomAD compares: Non-Finnish European, 0.0024%; no homozygotes.

Submission:

Labcorp Genetics (formerly Invitae), Labcorp
Classification: Uncertain significance. Last evaluated: 2024-10-21. Review status: criteria provided, single submitter. Criteria: Invitae Variant Classification Sherloc (09022015). Collection method: clinical testing. Allele origin: germline.
Comment: This sequence change replaces asparagine, which is neutral and polar, with serine, which is neutral and polar, at codon 264 of the C6 protein (p.Asn264Ser). This variant is present in population databases (rs772928586, gnomAD 0.004%). This variant has not been reported in the literature in individuals affected with C6-related conditions. ClinVar contains an entry for this variant (Variation ID: 1511097). An algorithm developed to predict the effect of missense changes on protein structure and function outputs the following: PolyPhen-2: "Benign". The serine amino acid residue is found in multiple mammalian species, which suggests that this missense change does not adversely affect protein function. In summary, the available evidence is currently insufficient to determine the role of this variant in disease. Therefore, it has been classified as a Variant of Uncertain Significance.